The following is an entry in ClinVar:

ClinVar aggregate classification (germline): Uncertain significance. Review status: criteria provided, multiple submitters, no conflicts (2 of 4 stars). 2 submissions from 2 submitters: Uncertain significance (2). Last evaluated 2024-10-21.

Conditions:
Immunodeficiency, common variable, 12 (CVID12). Also called: IMMUNODEFICIENCY, COMMON VARIABLE, 12, WITH AUTOIMMUNITY; NFKB1 DEFICIENCY. Identifiers: Orphanet 1572, Orphanet 696874, MedGen C4225277, MONDO:0014697, OMIM 616576.

Allele frequency attached by ClinVar (database versions not stated): gnomAD 0.00001; ExAC 0.00001; TOPMed 0.00001.
gnomAD v4.1: 51 of 1,609,304 alleles (0.0032%); highest among the groups gnomAD compares: Non-Finnish European, 0.0041%; no homozygotes.

Submissions (2):

Labcorp Genetics (formerly Invitae), Labcorp
Classification: Uncertain significance. Last evaluated: 2024-10-21. Review status: criteria provided, single submitter. Criteria: Invitae Variant Classification Sherloc (09022015). Collection method: clinical testing. Allele origin: germline.
Comment: This sequence change replaces histidine, which is basic and polar, with arginine, which is basic and polar, at codon 23 of the NFKB1 protein (p.His23Arg). This variant is present in population databases (rs780417051, gnomAD 0.002%). This variant has not been reported in the literature in individuals affected with NFKB1-related conditions. ClinVar contains an entry for this variant (Variation ID: 2177573). An algorithm developed to predict the effect of missense changes on protein structure and function (PolyPhen-2) suggests that this variant is likely to be tolerated. In summary, the available evidence is currently insufficient to determine the role of this variant in disease. Therefore, it has been classified as a Variant of Uncertain Significance.

Fulgent Genetics
Classification: Uncertain significance for Immunodeficiency, common variable, 12. Last evaluated: 2024-06-24. Review status: criteria provided, single submitter. Criteria: ACMG Guidelines, 2015. Collection method: clinical testing. Allele origin: germline.

NM_003998.4(NFKB1):c.68A>G (p.His23Arg)

Gene: NFKB1 (nuclear factor kappa B subunit 1; plus strand). Cytogenetic location: 4q24.
Variant type: single nucleotide variant.
Coding change: c.68A>G on transcript NM_003998.4 (MANE Select); coding-DNA position 68, A replaced by G.
Protein change: p.His23Arg; replaces histidine 23 with arginine.
Molecular consequence: missense variant.
Genome position (GRCh38, 1-based): chr4:102,529,864, A>G. VCF-style: chr4-102529864-A-G. GRCh37 (hg19) VCF-style: chr4-103451021-A-G.
Other names: c.68A>G (NM_003998.3); c.68A>G, p.His23Arg (NM_001165412.2, NM_001319226.2, NM_001382625.1 and 2 more transcripts); c.29A>G, p.His10Arg (NM_001382628.1); short protein forms H10R, H23R.
Identifiers: ClinVar variation 2177573 (VCV002177573.5), dbSNP rs780417051, ClinGen allele CA3025797.